The following is an entry in ClinVar:

ClinVar aggregate classification (germline): Uncertain significance (1 of 4 stars; one submission).

Submission:

Labcorp Genetics (formerly Invitae), Labcorp
Classification: Uncertain significance. Last evaluated: 2023-01-27. Review status: criteria provided, single submitter. Criteria: Invitae Variant Classification Sherloc (09022015). Collection method: clinical testing. Allele origin: germline.
Comment: This variant is not present in population databases (gnomAD no frequency). This variant, c.1143_1148dup, results in the insertion of 2 amino acid(s) of the SLCO5A1 protein (p.Lys382_Lys383dup), but otherwise preserves the integrity of the reading frame. This variant has not been reported in the literature in individuals affected with SLCO5A1-related conditions. In summary, the available evidence is currently insufficient to determine the role of this variant in disease. Therefore, it has been classified as a Variant of Uncertain Significance.

NM_030958.3(SLCO5A1):c.1131GAAAAA[4] (p.Lys383_Phe384insLysLys)

Gene: SLCO5A1 (solute carrier organic anion transporter family member 5A1; minus strand). Cytogenetic location: 8q13.3.
Variant type: Microsatellite.
Coding change: c.1131GAAAAA[4] on transcript NM_030958.3 (MANE Select); four copies in a row of the 6-base unit GAAAAA starting at c.1131; the reference has three copies in a row; one copy, 6 bases duplicated.
Protein change: p.Lys383_Phe384insLysLys.
Molecular consequence: inframe insertion.
Genome position (GRCh38, 1-based): chr8:69,755,534-69,755,539, TTTTTC duplicated on the plus strand (GAAAAA on the coding strand, the reverse complement: SLCO5A1 is on the minus strand); duplicating any 6 consecutive bases within chr8:69,755,534-69,755,553 gives the same sequence; the position shown is the placement nearest the transcript's 3' end. VCF-style (leftmost placement, unchanged base first): chr8-69755533-T-TTTTTTC. GRCh37 (hg19) VCF-style: chr8-70667768-T-TTTTTTC.
Other names: c.1131GAAAAA[4], p.Lys383_Phe384insLysLys (NM_001146008.2, NM_001146009.1).
Identifiers: ClinVar variation 3016214 (VCV003016214.3), dbSNP rs1817504767, ClinGen allele CA1792010592.
Genomic context (GRCh38, chr8:69,755,533, plus strand): 5'-TTCACTGTTGTTTGATTTCTCCTTCAGAACATCGTCATCACTAACAGCATCAACAGAAAA[T>TTTTTTC]TTTTTCTTTTTCTTTTTCTTGTGTCGAGGTGGAAGCTTTTTTGGGAAAGTAAACATTGGG-3'